The following is an entry in ClinVar:

ClinVar aggregate classification (germline): Conflicting classifications of pathogenicity. Review status: criteria provided, conflicting classifications (1 of 4 stars). 9 submissions from 9 submitters: Uncertain significance (8); Likely benign (1). Last evaluated 2025-12-22.

Conditions:
Cardiovascular phenotype. Identifiers: MedGen CN230736.
Woolly hair-skin fragility syndrome (WHSF). Identifiers: Orphanet 293165, MedGen C1843292, MONDO:0957307, OMIM 620415.
Lethal acantholytic epidermolysis bullosa (EBLA). Identifiers: Orphanet 158687, MedGen C1864826, MONDO:0012323, OMIM 609638.
Arrhythmogenic cardiomyopathy with wooly hair and keratoderma. Also called: Carvajal syndrome; Dilated cardiomyopathy with woolly hair and keratoderma; PALMOPLANTAR KERATODERMA WITH LEFT VENTRICULAR CARDIOMYOPATHY AND WOOLLY HAIR; Arrhythmogenic cardiomyopathy with woolly hair and keratoderma. Identifiers: Orphanet 65282, MedGen C1854063, MONDO:0011581, OMIM 605676.
Arrhythmogenic right ventricular dysplasia 8 (ARVD8). Also called: Arrhythmogenic Right Ventricular Dysplasia/Cardiomyopathy 8; ARRHYTHMOGENIC RIGHT VENTRICULAR DYSPLASIA, FAMILIAL, 8; ARRHYTHMOGENIC RIGHT VENTRICULAR CARDIOMYOPATHY 8. Identifiers: MedGen C1843896, MONDO:0011831, OMIM 607450.
Cardiomyopathy, dilated, with wooly hair, keratoderma, and tooth agenesis. Also called: Erythrokeratodermia-cardiomyopathy syndrome; Cardiomyopathy, dilated, with woolly hair, keratoderma, and tooth agenesis. Identifiers: Orphanet 476096, Orphanet 65282, MedGen C4014393, MONDO:0014355, OMIM 615821.
Keratosis palmoplantaris striata 2. Also called: Keratosis palmoplantaris striata II; KERATODERMA, PALMOPLANTAR, STRIATE FORM II; STRIATE PALMOPLANTAR KERATODERMA II. Identifiers: MedGen C1852127, MONDO:0013034, OMIM 612908.
Cardiomyopathy (CMYO). Also called: Cardiomyopathies. Identifiers: Orphanet 167848, MedGen C0878544, MONDO:0004994, HP:0001638. Inheritance: Various modes of inheritance.

Allele frequency attached by ClinVar (database versions not stated): ExAC 0.00002; gnomAD exomes 0.00002; TOPMed 0.00002; gnomAD 0.00003; ESP Exome Variant Server 0.00008.
gnomAD v4.1: 114 of 1,613,586 alleles (0.0071%); highest among the groups gnomAD compares: Middle Eastern, 0.049%; no homozygotes.

Submissions (9):

Labcorp Genetics (formerly Invitae), Labcorp
Classification: Likely benign for Arrhythmogenic cardiomyopathy with wooly hair and keratoderma; Arrhythmogenic right ventricular dysplasia 8. Last evaluated: 2025-12-22. Review status: criteria provided, single submitter. Criteria: Invitae Variant Classification Sherloc (09022015). Collection method: clinical testing. Allele origin: germline.

Ambry Genetics
Classification: Uncertain significance for Cardiovascular phenotype. Last evaluated: 2024-11-01. Review status: criteria provided, single submitter. Criteria: Ambry Variant Classification Scheme 2023. Collection method: clinical testing. Allele origin: germline.
Comment: The p.E1369K variant (also known as c.4105G>A), located in coding exon 23 of the DSP gene, results from a G to A substitution at nucleotide position 4105. The glutamic acid at codon 1369 is replaced by lysine, an amino acid with similar properties. This amino acid position is highly conserved in available vertebrate species. In addition, this alteration is predicted to be deleterious by in silico analysis. Based on the available evidence, the clinical significance of this variant remains unclear.

Color Diagnostics, LLC DBA Color Health
Classification: Uncertain significance for Cardiomyopathy. Last evaluated: 2024-07-15. Review status: criteria provided, single submitter. Criteria: ACMG Guidelines, 2015. Collection method: clinical testing. Allele origin: germline.
Comment: This missense variant replaces glutamic acid with lysine at codon 1369 of the DSP protein. Computational prediction is inconclusive regarding the impact of this variant on protein structure and function (internally defined REVEL score threshold 0.5 < inconclusive < 0.7, PMID: 27666373). To our knowledge, functional studies have not been reported for this variant. This variant has been reported in an individual affected with hypertrophic cardiomyopathy (PMID: 25351510). This variant has been identified in 6/282028 chromosomes in the general population by the Genome Aggregation Database (gnomAD). The available evidence is insufficient to determine the role of this variant in disease conclusively. Therefore, this variant is classified as a Variant of Uncertain Significance.

Blueprint Genetics
Classification: Uncertain significance. Last evaluated: 2024-07-11. Review status: criteria provided, single submitter. Criteria: ACMG Guidelines, 2015. Collection method: clinical testing. Allele origin: germline.

All of Us Research Program, National Institutes of Health
Classification: Uncertain significance for Arrhythmogenic cardiomyopathy with wooly hair and keratoderma. Last evaluated: 2023-12-01. Review status: criteria provided, single submitter. Criteria: ACMG Guidelines, 2015. Collection method: clinical testing. Allele origin: germline. Inheritance: Autosomal dominant inheritance. Observed: 6 variant alleles, 6 heterozygotes.
Comment: This missense variant replaces glutamic acid with lysine at codon 1369 of the DSP protein. Computational prediction is inconclusive regarding the impact of this variant on protein structure and function (internally defined REVEL score threshold 0.5 < inconclusive < 0.7, PMID: 27666373). To our knowledge, functional studies have not been reported for this variant. This variant has been reported in an individual affected with hypertrophic cardiomyopathy (PMID: 25351510). This variant has been identified in 6/282028 chromosomes in the general population by the Genome Aggregation Database (gnomAD). The available evidence is insufficient to determine the role of this variant in disease conclusively. Therefore, this variant is classified as a Variant of Uncertain Significance.

This study involves interpretation of variants in research participants for the purpose of population health screening. Participant phenotype was not available at the time of variant classification. Additional details can be found in publication PMID: 35346344, PMCID: PMC8962531

Women's Health and Genetics/Laboratory Corporation of America, LabCorp
Classification: Uncertain significance. Last evaluated: 2023-11-20. Review status: criteria provided, single submitter. Criteria: LabCorp Variant Classification Summary - May 2015. Collection method: clinical testing. Allele origin: germline.
Comment: Variant summary: DSP c.4105G>A (p.Glu1369Lys) results in a conservative amino acid change in the encoded protein sequence. Three of five in-silico tools predict a benign effect of the variant on protein function. The variant allele was found at a frequency of 2e-05 in 250642 control chromosomes. The available data on variant occurrences in the general population are insufficient to allow any conclusion about variant significance. c.4105G>A has been reported in the literature in individuals affected with HCM, without strong evidence for causality (Lopes_2013). These reports do not provide unequivocal conclusions about association of the variant with Arrhythmogenic Right Ventricular Dysplasia/Cardiomyopathy. To our knowledge, no experimental evidence demonstrating an impact on protein function has been reported. Five submitters have cited clinical-significance assessments for this variant to ClinVar after 2014: four submitters classified the variant as VUS while one classified as likely benign. Based on the evidence outlined above, the variant was classified as uncertain significance.

Fulgent Genetics
Classification: Uncertain significance for Arrhythmogenic cardiomyopathy with wooly hair and keratoderma; Arrhythmogenic right ventricular dysplasia 8; Lethal acantholytic epidermolysis bullosa; Keratosis palmoplantaris striata 2; Cardiomyopathy, dilated, with wooly hair, keratoderma, and tooth agenesis. Last evaluated: 2021-09-13. Review status: criteria provided, single submitter. Criteria: ACMG Guidelines, 2015. Collection method: clinical testing. Allele origin: unknown.

GeneDx
Classification: Uncertain significance. Last evaluated: 2014-07-17. Review status: criteria provided, single submitter. Criteria: GeneDx Variant Classification (06012015). Collection method: clinical testing. Allele origin: germline. Affected: yes.
Comment: p.Glu1369Lys (GAG>AAG): c.4105 G>A in exon 23 of the DSP gene (NM_004415.2). The E1369K variant has not been published as a mutation, nor has it been reported as a benign polymorphism to our knowledge. The E1369K variant was not observed with any significant frequency in approximately 6,500 individuals of European and African American ancestry in the NHLBI Exome Sequencing Project. The E1369K variant is a non-conservative amino acid substitution, which is likely to impact secondary protein structure as these residues differ in polarity, charge, size and/or other properties. This substitution occurs at a position that is conserved within mammals. A missense mutation in a nearby residue (T1373A) has been reported in association with ARVC, supporting the functional importance of this region of the protein. However, in silico analysis is inconsistent in its predictions as to whether or not the variant is damaging to the protein structure/function. The variant is found in CARDIOMYOPATHY panel(s).

Laboratory for Molecular Medicine, Mass General Brigham Personalized Medicine
Classification: Uncertain significance. Last evaluated: 2013-05-17. Review status: criteria provided, single submitter. Criteria: LMM Criteria. Collection method: clinical testing. Allele origin: germline. Observed: 1 variant allele.
Comment: The Glu1369Lys variant in DSP has not been reported in individuals with cardiomy opathy, but has been identified in 1/8600 European American chromosomes by the N HLBI Exome Sequencing Project (dbSNP rs141805 096). Computational analyses (biochemical amino acid properties, conservation, A lignGVGD, PolyPhen2, and SIFT) do not provide strong support for or against an i mpact to the protein. At this time, additional information is needed to fully as sess the clinical significance of this variant.

Literature cited by the submitters: PubMed 25351510 (cited by Color Diagnostics, LLC DBA Color Health and All of Us Research Program, National Institutes of Health); PubMed 23396983 (cited by Women's Health and Genetics/Laboratory Corporation of America, LabCorp).

NM_004415.4(DSP):c.4105G>A (p.Glu1369Lys)

Gene: DSP (desmoplakin; plus strand). Cytogenetic location: 6p24.3.
Variant type: single nucleotide variant.
Coding change: c.4105G>A on transcript NM_004415.4 (MANE Select); coding-DNA position 4105, G replaced by A.
Protein change: p.Glu1369Lys; replaces glutamic acid 1369 with lysine.
Molecular consequence: missense variant. On other transcripts: intron variant (2).
Genome position (GRCh38, 1-based): chr6:7,580,295, G>A. VCF-style: chr6-7580295-G-A. GRCh37 (hg19) VCF-style: chr6-7580528-G-A.
Other names: p.E1369K:GAG>AAG; c.4050+55G>A (NM_001319034.2); c.3582+523G>A (NM_001008844.3); short protein forms E1369K.
Identifiers: ClinVar variation 163270 (VCV000163270.20), dbSNP rs141805096, ClinGen allele CA004373.